The following is an entry in ClinVar:

ClinVar aggregate classification (germline): Uncertain significance (1 of 4 stars; one submission).

gnomAD v4.1: 23 of 1,614,208 alleles (0.0014%); highest among the groups gnomAD compares: South Asian, 0.0022%; no homozygotes.

Submission:

Labcorp Genetics (formerly Invitae), Labcorp
Classification: Uncertain significance. Last evaluated: 2025-04-07. Review status: criteria provided, single submitter. Criteria: Invitae Variant Classification Sherloc (09022015). Collection method: clinical testing. Allele origin: germline.
Comment: This sequence change falls in intron 22 of the CLCN6 gene. It does not directly change the encoded amino acid sequence of the CLCN6 protein. It affects a nucleotide within the consensus splice site. The frequency data for this variant in the population databases is considered unreliable, as metrics indicate poor data quality at this position in the gnomAD database. This variant has not been reported in the literature in individuals affected with CLCN6-related conditions. ClinVar contains an entry for this variant (Variation ID: 2187296). Variants that disrupt the consensus splice site are a relatively common cause of aberrant splicing (PMID: 17576681, 9536098). Algorithms developed to predict the effect of sequence changes on RNA splicing suggest that this variant is not likely to affect RNA splicing. In summary, the available evidence is currently insufficient to determine the role of this variant in disease. Therefore, it has been classified as a Variant of Uncertain Significance.

Literature cited by the submitters: PubMed 17576681; PubMed 9536098.

NM_001286.5(CLCN6):c.2529+6C>T

Genes: CLCN6 (chloride voltage-gated channel 6; plus strand), LOC129929417 (ATAC-STARR-seq lymphoblastoid active region 178; plus strand). Cytogenetic location: 1p36.22.
Variant type: single nucleotide variant.
Coding change: c.2529+6C>T on transcript NM_001286.5 (MANE Select); 6 bases into the intron after coding-DNA position 2529, C replaced by T.
Molecular consequence: intron variant.
Genome position (GRCh38, 1-based): chr1:11,838,666, C>T. VCF-style: chr1-11838666-C-T. GRCh37 (hg19) VCF-style: chr1-11898723-C-T.
Other names: c.2463+6C>T (NM_001256959.2).
Identifiers: ClinVar variation 2187296 (VCV002187296.4), dbSNP rs560036425, ClinGen allele CA18004894.
Genomic context (GRCh38, chr1:11,838,666, plus strand): 5'-CCTGTTCAGAACGATGGGCCTGCGCCACCTGCCCGTGGTGAACGCTGTGGGAGAGGTGAG[C>T]GAGGCCCCGGCCCTGCCCCCACCTTTGAGAGAGGATCCCCTAGCCAGGTGCTGTTTGTGC-3'